The following is an entry in ClinVar:

ClinVar aggregate classification (germline): Likely benign (1 of 4 stars; one submission).

Allele frequency attached by ClinVar (database versions not stated): 1000 Genomes Project 0.00220; 1000 Genomes Project 30x 0.00500.

Submission:

CeGaT Center for Human Genetics Tuebingen
Classification: Likely benign. Last evaluated: 2022-12-01. Review status: criteria provided, single submitter. Criteria: CeGaT Center For Human Genetics Tuebingen Variant Classification Criteria Version 2. Collection method: clinical testing. Allele origin: germline. Affected: yes. Observed: 1 variant allele.
Comment: RP11-731F5.1: BS2

NC_000014.9:g.105644563G>C

Genes: IGH (immunoglobulin heavy locus; minus strand), IGHG2 (immunoglobulin heavy constant gamma 2 (G2m marker); minus strand). Cytogenetic location: 14q32.33.
Variant type: single nucleotide variant.
Genome position: GRCh38 VCF-style: chr14-105644563-G-C. GRCh37 (hg19) VCF-style: chr14-106110900-G-C.
Identifiers: ClinVar variation 2644926 (VCV002644926.23), dbSNP rs200481020, ClinGen allele CA7393449.
Genomic context (GRCh38, chr14:105,644,563, plus strand): 5'-CTTGTCCACCTTGGTGTTGCTGGGCTTGTGATCTACGTTGCAGGTGTAGGTCTGGGTGCC[G>C]AAGTTGCTGGAGGGCACGGTCACCACGCTGCTGAGGGAGTAGAGTCCTGAGGACTGTAGG-3'